The following is an entry in ClinVar:

NM_004525.3(LRP2):c.7384_7390+8dup

Gene: LRP2 (LDL receptor related protein 2; minus strand). Cytogenetic location: 2q31.1.
Variant type: Duplication.
Coding change: c.7384_7390+8dup on transcript NM_004525.3 (MANE Select); coding-DNA position 7384 through 8 bases into the intron after coding-DNA position 7390, 15 bases duplicated (GCTTCAGGTAAGTGC).
Molecular consequence: splice donor variant.
Genome position (GRCh38, 1-based): chr2:169,206,322-169,206,336, GCACTTACCTGAAGC duplicated on the plus strand (GCTTCAGGTAAGTGC on the coding strand, the reverse complement: LRP2 is on the minus strand). VCF-style (leftmost placement, unchanged base first): chr2-169206321-T-TGCACTTACCTGAAGC. GRCh37 (hg19) VCF-style: chr2-170062831-T-TGCACTTACCTGAAGC.
Identifiers: ClinVar variation 129489 (VCV000129489.15), dbSNP rs587780382, ClinGen allele CA231241.

ClinVar aggregate classification (germline): Uncertain significance. Review status: criteria provided, multiple submitters, no conflicts (2 of 4 stars). 6 submissions from 6 submitters: Uncertain significance (6). Last evaluated 2024-10-17.

Conditions:
Congenital heart disease (CHD). Identifiers: MedGen C0152021, MONDO:0005453. Disease mechanism: unknown.
Donnai-Barrow syndrome. Also called: FACIOOCULOACOUSTICORENAL SYNDROME; DBS/FOAR SYNDROME. Identifiers: Orphanet 2143, MedGen C1857277, MONDO:0009104, OMIM 222448.

Allele frequency attached by ClinVar (database versions not stated): ExAC 0.00007; gnomAD exomes 0.00011 and 0.00022; gnomAD 0.00021.

Submissions (6):

Blueprint Genetics
Classification: Uncertain significance. Last evaluated: 2024-10-17. Review status: criteria provided, single submitter. Criteria: ACMG Guidelines, 2015. Collection method: clinical testing. Allele origin: germline.

Fulgent Genetics
Classification: Uncertain significance for Donnai-Barrow syndrome. Last evaluated: 2024-03-19. Review status: criteria provided, single submitter. Criteria: ACMG Guidelines, 2015. Collection method: clinical testing. Allele origin: germline.

Labcorp Genetics (formerly Invitae), Labcorp
Classification: Uncertain significance. Last evaluated: 2022-10-16. Review status: criteria provided, single submitter. Criteria: Invitae Variant Classification Sherloc (09022015). Collection method: clinical testing. Allele origin: germline.
Comment: This sequence change falls in intron 39 of the LRP2 gene. It does not directly change the encoded amino acid sequence of the LRP2 protein. This variant is present in population databases (rs587780382, gnomAD 0.03%). This variant has not been reported in the literature in individuals affected with LRP2-related conditions. ClinVar contains an entry for this variant (Variation ID: 129489). Algorithms developed to predict the effect of sequence changes on RNA splicing suggest that this variant may create or strengthen a splice site. In summary, the available evidence is currently insufficient to determine the role of this variant in disease. Therefore, it has been classified as a Variant of Uncertain Significance.

Genome-Nilou Lab
Classification: Uncertain significance for Donnai-Barrow syndrome. Last evaluated: 2021-07-15. Review status: criteria provided, single submitter. Criteria: ACMG Guidelines, 2015. Collection method: clinical testing. Allele origin: germline. Affected: no.

Department of Pathology and Laboratory Medicine, Sinai Health System
Classification: Uncertain significance for congenital heart disease. Last evaluated: 2019-07-08. Review status: criteria provided, single submitter. Criteria: ACMG Guidelines, 2015. Collection method: research. Allele origin: germline.

Genetic Services Laboratory, University of Chicago
Classification: Uncertain significance. Last evaluated: 2014-02-12. Review status: criteria provided, single submitter. Criteria: ACMG Guidelines, 2007. Collection method: clinical testing. Allele origin: germline. Inheritance: Autosomal recessive inheritance.